The following is an entry in ClinVar:

NM_000268.4(NF2):c.1163C>T (p.Ala388Val)

Gene: NF2 (NF2, moesin-ezrin-radixin like (MERLIN) tumor suppressor; plus strand). Cytogenetic location: 22q12.2.
Variant type: single nucleotide variant.
Coding change: c.1163C>T on transcript NM_000268.4 (MANE Select); coding-DNA position 1163, C replaced by T.
Protein change: p.Ala388Val; replaces alanine 388 with valine.
Molecular consequence: missense variant. On other transcripts: non-coding transcript variant (1), intron variant (1).
Genome position (GRCh38, 1-based): chr22:29,673,309, C>T. VCF-style: chr22-29673309-C-T. GRCh37 (hg19) VCF-style: chr22-30069298-C-T.
Other names: c.1163C>T, p.Ala388Val (NM_016418.5, NM_181825.3, NM_181832.3); c.1037C>T, p.Ala346Val (NM_181828.3); c.1040C>T, p.Ala347Val (NM_181829.3); c.914C>T, p.Ala305Val (NM_181830.3, NM_181831.3); c.448-21443C>T (NM_181833.3); short protein forms A388V, A346V, A305V, A347V.
Identifiers: ClinVar variation 134893 (VCV000134893.14), dbSNP rs587778553, ClinGen allele CA021299.

ClinVar aggregate classification (germline): Uncertain significance. Review status: criteria provided, multiple submitters, no conflicts (2 of 4 stars). 3 submissions from 3 submitters: Uncertain significance (2). 1 of the submissions does not count toward it. Last evaluated 2024-12-16.

Conditions:
Hereditary cancer-predisposing syndrome. Also called: Tumor predisposition; Hereditary neoplastic syndrome; Neoplastic Syndromes, Hereditary; Hereditary Cancer Syndrome. Identifiers: Orphanet 140162, MedGen C0027672, MeSH D009386, MONDO:0015356.
Neurofibromatosis, type 2 (SWNV). Also called: SCHWANNOMATOSIS, VESTIBULAR; BILATERAL ACOUSTIC NEUROFIBROMATOSIS; NF2-Related Schwannomatosis. Identifiers: Orphanet 637, MedGen C0027832, MONDO:0007039, OMIM 101000. Disease mechanism: loss of function.

Submissions (3):

Ambry Genetics
Classification: Uncertain significance for Hereditary cancer-predisposing syndrome. Last evaluated: 2024-12-16. Review status: criteria provided, single submitter. Criteria: Ambry Variant Classification Scheme 2023. Collection method: clinical testing. Allele origin: germline.
Comment: The p.A388V variant (also known as c.1163C>T), located in coding exon 12 of the NF2 gene, results from a C to T substitution at nucleotide position 1163. The alanine at codon 388 is replaced by valine, an amino acid with similar properties. This variant was identified in a cohort of 681 ancestrally diverse, healthy subjects. (Bodian DL et al. PLoS ONE. 2014 Apr;9:e94554). This amino acid position is highly conserved in available vertebrate species. In addition, the in silico prediction for this alteration is inconclusive. Since supporting evidence is limited at this time, the clinical significance of this alteration remains unclear.

Labcorp Genetics (formerly Invitae), Labcorp
Classification: Uncertain significance for Neurofibromatosis, type 2. Last evaluated: 2021-01-28. Review status: criteria provided, single submitter. Criteria: Invitae Variant Classification Sherloc (09022015). Collection method: clinical testing. Allele origin: germline.
Comment: This sequence change replaces alanine with valine at codon 388 of the NF2 protein (p.Ala388Val). The alanine residue is highly conserved and there is a small physicochemical difference between alanine and valine. In summary, the available evidence is currently insufficient to determine the role of this variant in disease. Therefore, it has been classified as a Variant of Uncertain Significance. Algorithms developed to predict the effect of missense changes on protein structure and function are either unavailable or do not agree on the potential impact of this missense change (SIFT: "Deleterious"; PolyPhen-2: "Possibly Damaging"; Align-GVGD: "Class C0"). This variant has not been reported in the literature in individuals with NF2-related conditions. ClinVar contains an entry for this variant (Variation ID: 134893). This variant is not present in population databases (ExAC no frequency).

ITMI
No classification provided. Condition: AllHighlyPenetrant. Last evaluated: 2013-09-19. Review status: no classification provided. Collection method: reference population. Allele origin: germline. Not counted in ClinVar's aggregate classification.
Comment: Please see associated publication for description of ethnicities

Literature cited by the submitters: PubMed 24728327 (cited by Ambry Genetics and ITMI).